The following is an entry in ClinVar:

NM_182943.3(PLOD2):c.201+71A>G

Gene: PLOD2 (procollagen-lysine,2-oxoglutarate 5-dioxygenase 2; minus strand). Cytogenetic location: 3q24.
Variant type: single nucleotide variant.
Coding change: c.201+71A>G on transcript NM_182943.3 (MANE Select); 71 bases into the intron after coding-DNA position 201, A replaced by G.
Molecular consequence: intron variant.
Genome position (GRCh38, 1-based): chr3:146,124,067, T>C on the plus strand (A>G on the coding strand, the complement: PLOD2 is on the minus strand). VCF-style: chr3-146124067-T-C. GRCh37 (hg19) VCF-style: chr3-145841854-T-C.
Other names: c.201+71A>G (NM_000935.3).
Identifiers: ClinVar variation 674921 (VCV000674921.2), dbSNP rs6802384, ClinGen allele CA15273020.

ClinVar aggregate classification (germline): Benign. Review status: criteria provided, multiple submitters, no conflicts (2 of 4 stars). 2 submissions from 2 submitters: Benign (2). Last evaluated 2018-06-14.

Allele frequency attached by ClinVar (database versions not stated): gnomAD exomes 0.49950; 1000 Genomes Project 0.51098; 1000 Genomes Project 30x 0.51452; gnomAD 0.51549 and 0.51746; TOPMed 0.51721.
gnomAD v4.1: 405,706 of 805,324 alleles (50%); highest among the groups gnomAD compares: African/African-American, 55%; 102,982 homozygotes.

Submissions (2):

GeneDx
Classification: Benign. Last evaluated: 2018-06-14. Review status: criteria provided, single submitter. Criteria: GeneDx Variant Classification (06012015). Collection method: clinical testing. Allele origin: germline. Affected: yes.
Comment: This variant is considered likely benign or benign based on one or more of the following criteria: it is a conservative change, it occurs at a poorly conserved position in the protein, it is predicted to be benign by multiple in silico algorithms, and/or has population frequency not consistent with disease.

Breakthrough Genomics
Classification: Benign. Review status: criteria provided, single submitter. Criteria: ACMG Guidelines, 2015. Collection method: not provided. Allele origin: germline. Inheritance: Autosomal recessive inheritance. Affected: yes.